The following is an entry in ClinVar:

NM_001365276.2(TNXB):c.5824G>A (p.Asp1942Asn)

Gene: TNXB (tenascin XB; minus strand). Cytogenetic location: 6p21.33.
Variant type: single nucleotide variant.
Coding change: c.5824G>A on transcript NM_001365276.2 (MANE Select); coding-DNA position 5824, G replaced by A.
Protein change: p.Asp1942Asn; replaces aspartic acid 1942 with asparagine.
Molecular consequence: missense variant.
Genome position (GRCh38, 1-based): chr6:32,068,900, C>T on the plus strand (G>A on the coding strand, the complement: TNXB is on the minus strand). VCF-style: chr6-32068900-C-T. GRCh37 (hg19) VCF-style: chr6-32036677-C-T.
Other names: p.Asp1942Asn; c.5824G>A, p.Asp1942Asn (NM_019105.8); short protein forms D1942N.
Identifiers: ClinVar variation 2560877 (VCV002560877.3), dbSNP rs765461982, ClinGen allele CA3734597.
Genomic context (GRCh38, chr6:32,068,900, plus strand): 5'-GGACAGGACCTACATGCTTCCCATCACTGAAACCATACAGGGTCACCAGGTATCTGTGGT[C>T]GGATTCCAGGCCAGAGAGGGTGATGTCATTCCGGTCACCTCCTATGCGGACCATTTGGAG-3'
Protein context (NP_001352205.1, residues 1932-1952): NDITLSGLES[Asp1942Asn]HRYLVTLYGF

ClinVar aggregate classification (germline): Uncertain significance. Review status: criteria provided, multiple submitters, no conflicts (2 of 4 stars). 2 submissions from 2 submitters: Uncertain significance (2). Last evaluated 2024-03-01.

Conditions:
Cardiovascular phenotype. Identifiers: MedGen CN230736.

Allele frequency attached by ClinVar (database versions not stated): ExAC 0.00001; gnomAD exomes 0.00002.
gnomAD v4.1: 37 of 1,612,700 alleles (0.0023%); highest among the groups gnomAD compares: African/African-American, 0.011%; no homozygotes.

Submissions (2):

Mayo Clinic Laboratories, Mayo Clinic
Classification: Uncertain significance. Last evaluated: 2024-03-01. Review status: criteria provided, single submitter. Criteria: ACMG Guidelines, 2015. Collection method: clinical testing. Allele origin: germline. Observed: 1 variant allele.
Comment: BP4

Ambry Genetics
Classification: Uncertain significance for Cardiovascular phenotype. Last evaluated: 2023-06-14. Review status: criteria provided, single submitter. Criteria: Ambry Variant Classification Scheme 2023. Collection method: clinical testing. Allele origin: germline.
Comment: The p.D1942N variant (also known as c.5824G>A), located in coding exon 15 of the TNXB gene, results from a G to A substitution at nucleotide position 5824. The aspartic acid at codon 1942 is replaced by asparagine, an amino acid with highly similar properties. This amino acid position is conserved. In addition, this alteration is predicted to be tolerated by in silico analysis. Since supporting evidence is limited at this time, the clinical significance of this alteration remains unclear.